The following is an entry in ClinVar:

NM_001080467.3(MYO5B):c.2062C>T (p.Arg688Ter)

Gene: MYO5B (myosin VB; minus strand). Cytogenetic location: 18q21.1.
Variant type: single nucleotide variant.
Coding change: c.2062C>T on transcript NM_001080467.3 (MANE Select); coding-DNA position 2062, C replaced by T.
Protein change: p.Arg688Ter; replaces arginine 688 with a stop codon.
Molecular consequence: nonsense.
Genome position (GRCh38, 1-based): chr18:49,929,540, G>A on the plus strand (C>T on the coding strand, the complement: MYO5B is on the minus strand). VCF-style: chr18-49929540-G-A. GRCh37 (hg19) VCF-style: chr18-47455910-G-A.
Other names: short protein forms R688*.
Identifiers: ClinVar variation 1301570 (VCV001301570.8), dbSNP rs1014035512, ClinGen allele CA299991476.

ClinVar aggregate classification (germline): Pathogenic. Review status: criteria provided, multiple submitters, no conflicts (2 of 4 stars). 2 submissions from 2 submitters: Pathogenic (2). Last evaluated 2025-10-23.

Conditions:
Congenital microvillous atrophy (DIAR2). Also called: CONGENITAL FAMILIAL PROTRACTED DIARRHEA WITH ENTEROCYTE BRUSH-BORDER ABNORMALITIES; DAVIDSON DISEASE; Microvillus inclusion disease; MICROVILLUS ATROPHY, CONGENITAL; Diarrhea 2 with microvillus atrophy, with or without cholestasis. Identifiers: Orphanet 2290, MedGen C0341306, MONDO:0009635, OMIM 251850.

Allele frequency attached by ClinVar (database versions not stated): gnomAD exomes below 0.00001 and 0.00001.

Submissions (2):

Labcorp Genetics (formerly Invitae), Labcorp
Classification: Pathogenic. Last evaluated: 2025-10-23. Review status: criteria provided, single submitter. Criteria: Invitae Variant Classification Sherloc (09022015). Collection method: clinical testing. Allele origin: germline.
Comment: This sequence change creates a premature translational stop signal (p.Arg688*) in the MYO5B gene. It is expected to result in an absent or disrupted protein product. Loss-of-function variants in MYO5B are known to be pathogenic (PMID: 18724368, 20186687). The frequency data for this variant in the population databases is considered unreliable, as metrics indicate poor data quality at this position in the gnomAD database. This premature translational stop signal has been observed in individual(s) with MYO5B-related conditions (PMID: 34811877). ClinVar contains an entry for this variant (Variation ID: 1301570). For these reasons, this variant has been classified as Pathogenic.

Dubai Health Genomic Medicine Center, Dubai Health
Classification: Pathogenic for Congenital microvillous atrophy. Last evaluated: 2020-02-02. Review status: criteria provided, single submitter. Criteria: ACMG Guidelines, 2015. Collection method: clinical testing. Allele origin: germline. Affected: yes.
Comment: The Arg688* variant in MYO5B has not been previously reported in individuals with disease but was observed in 2/246392(0 homozygotes) in the Genome Aggregation Database (gnomAD). This nonsense variant leads to a premature termination codon at position 688 of the only known MYO5B transcript which is the predicted to lead to a truncated or absent protein. In summary this variant meets our criteria to be classified as pathogenic.

Literature cited by the submitters: PubMed 18724368 (cited by Labcorp Genetics (formerly Invitae), Labcorp); PubMed 20186687 (cited by Labcorp Genetics (formerly Invitae), Labcorp); PubMed 34811877 (cited by Labcorp Genetics (formerly Invitae), Labcorp).